The following is an entry in ClinVar:

ClinVar aggregate classification (germline): Uncertain significance (1 of 4 stars; one submission).

Allele frequency attached by ClinVar (database versions not stated): TOPMed 0.00001.
gnomAD v4.1: 4 of 1,551,686 alleles (0.00026%); highest among the groups gnomAD compares: Non-Finnish European, 0.00026%; no homozygotes.

Submission:

Labcorp Genetics (formerly Invitae), Labcorp
Classification: Uncertain significance. Last evaluated: 2022-08-16. Review status: criteria provided, single submitter. Criteria: Invitae Variant Classification Sherloc (09022015). Collection method: clinical testing. Allele origin: germline.
Comment: This sequence change replaces arginine, which is basic and polar, with histidine, which is basic and polar, at codon 1655 of the UNC80 protein (p.Arg1655His). This variant is not present in population databases (gnomAD no frequency). This variant has not been reported in the literature in individuals affected with UNC80-related conditions. ClinVar contains an entry for this variant (Variation ID: 1525016). Algorithms developed to predict the effect of missense changes on protein structure and function are either unavailable or do not agree on the potential impact of this missense change (SIFT: "Not Available"; PolyPhen-2: "Probably Damaging"; Align-GVGD: "Not Available"). In summary, the available evidence is currently insufficient to determine the role of this variant in disease. Therefore, it has been classified as a Variant of Uncertain Significance.

NM_001371986.1(UNC80):c.5162G>A (p.Arg1721His)

Genes: UNC80 (unc-80 homolog, NALCN channel complex subunit; plus strand), LOC126806490 (P300/CBP strongly-dependent group 1 enhancer GRCh37_chr2:210782411-210783610; plus strand). Cytogenetic location: 2q34.
Variant type: single nucleotide variant.
Coding change: c.5162G>A on transcript NM_001371986.1 (MANE Select); coding-DNA position 5162, G replaced by A.
Protein change: p.Arg1721His; replaces arginine 1721 with histidine.
Molecular consequence: missense variant.
Genome position (GRCh38, 1-based): chr2:209,917,909, G>A. VCF-style: chr2-209917909-G-A. GRCh37 (hg19) VCF-style: chr2-210782633-G-A.
Other names: c.4964G>A, p.Arg1655His (NM_032504.2); c.4949G>A, p.Arg1650His (NM_182587.4); short protein forms R1650H, R1655H, R1721H.
Identifiers: ClinVar variation 1525016 (VCV001525016.5), dbSNP rs1178026744, ClinGen allele CA350759303.